The following is an entry in ClinVar:

NM_000018.4(ACADVL):c.1738del (p.Val580fs)

Gene: ACADVL (acyl-CoA dehydrogenase very long chain; plus strand). Cytogenetic location: 17p13.1.
Variant type: Deletion.
Coding change: c.1738del on transcript NM_000018.4 (MANE Select); coding-DNA position 1738, one base deleted (G; older notation c.1738delG).
Protein change: p.Val580fs; shifts the reading frame from valine 580.
Molecular consequence: frameshift variant.
Genome position (GRCh38, 1-based): chr17:7,224,701, G deleted; the last of 2 consecutive G bases (chr17:7,224,700-7,224,701); deleting either gives the same sequence. VCF-style (leftmost placement, unchanged base first): chr17-7224699-TG-T. GRCh37 (hg19) VCF-style: chr17-7128018-TG-T.
Other names: c.1672del, p.Val558fs (NM_001033859.3); c.1807del, p.Val603fs (NM_001270447.2); c.1510del, p.Val504fs (NM_001270448.2); c.1738del (NM_000018.3); short protein forms V603fs, V504fs, V558fs, V580fs.
Identifiers: ClinVar variation 2954735 (VCV002954735.4), dbSNP rs2508367351, ClinGen allele CA2740095219.
Genomic context (GRCh38, chr17:7,224,699, plus strand): 5'-CAGATGAACAGTTTCTGCTGCAGCGGCTGGCAGACGGGGCCATCGACCTCTATGCCATGG[TG>T]GTGGTTCTCTCGAGGTGAGGAGGCAGGCAGGGAATGCCTGAGCCGCAGGGGGCCTGGGCC-3'

ClinVar aggregate classification (germline): Pathogenic/Likely pathogenic. Review status: criteria provided, multiple submitters, no conflicts (2 of 4 stars). 2 submissions from 2 submitters: Pathogenic (1); Likely pathogenic (1). Last evaluated 2024-07-12.

Conditions:
Very long chain acyl-CoA dehydrogenase deficiency (ACADVLD). Also called: VLCAD Deficiency; Very Long-Chain Acyl-Coenzyme A Dehydrogenase Deficiency. Identifiers: Orphanet 26793, MedGen C3887523, MONDO:0008723, OMIM 201475.

Submissions (2):

Natera, Inc.
Classification: Likely pathogenic for Very long chain acyl-CoA dehydrogenase deficiency. Last evaluated: 2024-07-12. Review status: criteria provided, single submitter. Criteria: Natera Variant Classification Schema (03/2026). Collection method: clinical testing. Allele origin: germline.
Comment: The c.1738del variant in ACADVL is a frameshift variant predicted to shift the reading frame beginning at codon 580 and leads to a stop codon 10 codons downstream. This variant is expected to result in nonsense mediated decay, truncation, or a dysfunctional protein product. This variant is rare in the general population with a frequency below the threshold expected for the associated phenotype(s). Given the available evidence, this variant is classified as Likely Pathogenic.

Labcorp Genetics (formerly Invitae), Labcorp
Classification: Pathogenic for Very long chain acyl-CoA dehydrogenase deficiency. Last evaluated: 2022-11-23. Review status: criteria provided, single submitter. Criteria: Invitae Variant Classification Sherloc (09022015). Collection method: clinical testing. Allele origin: germline.
Comment: This sequence change creates a premature translational stop signal (p.Val580Trpfs*10) in the ACADVL gene. It is expected to result in an absent or disrupted protein product. Loss-of-function variants in ACADVL are known to be pathogenic (PMID: 9973285, 11590124). This variant is not present in population databases (gnomAD no frequency). This variant has not been reported in the literature in individuals affected with ACADVL-related conditions. For these reasons, this variant has been classified as Pathogenic.

Literature cited by the submitters: PubMed 9973285 (cited by Labcorp Genetics (formerly Invitae), Labcorp); PubMed 11590124 (cited by Labcorp Genetics (formerly Invitae), Labcorp).